The following is an entry in ClinVar:

NM_033337.3(CAV3):c.244G>A (p.Val82Ile)

Genes: CAV3 (caveolin 3; plus strand), OXTR (oxytocin receptor; minus strand). Cytogenetic location: 3p25.3.
Variant type: single nucleotide variant.
Coding change: c.244G>A on transcript NM_033337.3 (MANE Select); coding-DNA position 244, G replaced by A.
Protein change: p.Val82Ile; replaces valine 82 with isoleucine.
Molecular consequence: missense variant.
Genome position (GRCh38, 1-based): chr3:8,745,655, G>A. VCF-style: chr3-8745655-G-A. GRCh37 (hg19) VCF-style: chr3-8787341-G-A.
Other names: c.244G>A, p.Val82Ile (NM_001234.5); short protein forms V82I.
Identifiers: ClinVar variation 279733 (VCV000279733.32), dbSNP rs112626848, ClinGen allele CA2236342.
Genomic context (GRCh38, chr3:8,745,655, plus strand): 5'-TACACCACCTTCACTGTCTCCAAGTACTGGTGCTACCGTCTGTTGTCCACGCTGCTGGGC[G>A]TCCCACTGGCCCTGCTCTGGGGCTTCCTGTTCGCCTGCATCTCCTTCTGCCACATCTGGG-3'
Protein context (NP_203123.1, residues 72-92): CYRLLSTLLG[Val82Ile]PLALLWGFLF

ClinVar aggregate classification (germline): Conflicting classifications of pathogenicity. Review status: criteria provided, conflicting classifications (1 of 4 stars). 10 submissions from 10 submitters: Uncertain significance (9); Likely benign (1). Last evaluated 2026-01-26.

Conditions:
Cardiovascular phenotype. Identifiers: MedGen CN230736.
Cardiomyopathy (CMYO). Also called: Cardiomyopathies. Identifiers: Orphanet 167848, MedGen C0878544, MONDO:0004994, HP:0001638. Inheritance: Various modes of inheritance.
Long QT syndrome (LQTS). Identifiers: MedGen C0023976, MeSH D008133, MONDO:0002442. Disease mechanism: loss of function. Inheritance: Various modes of inheritance.
Long QT syndrome 1 (LQT1). Identifiers: Orphanet 101016, Orphanet 768, MedGen C4551647, MONDO:0100316, OMIM 192500, MONDO:0008646.

Allele frequency attached by ClinVar (database versions not stated): TOPMed 0.00009; ExAC 0.00006; 1000 Genomes Project 0.00020; 1000 Genomes Project 30x 0.00031; gnomAD 0.00005 and 0.00007; gnomAD exomes 0.00010.
gnomAD v4.1: 245 of 1,614,070 alleles (0.015%); highest among the groups gnomAD compares: Admixed American, 0.027%; no homozygotes.

Submissions (10):

Labcorp Genetics (formerly Invitae), Labcorp
Classification: Uncertain significance for Long QT syndrome. Last evaluated: 2026-01-26. Review status: criteria provided, single submitter. Criteria: Invitae Variant Classification Sherloc (09022015). Collection method: clinical testing. Allele origin: germline.
Comment: This sequence change replaces valine, which is neutral and non-polar, with isoleucine, which is neutral and non-polar, at codon 82 of the CAV3 protein (p.Val82Ile). This variant is present in population databases (rs112626848, gnomAD 0.03%). This missense change has been observed in individual(s) with various cardiac conditions (PMID: 23631430, 24917393, 30847666, 31737537). ClinVar contains an entry for this variant (Variation ID: 279733). An algorithm developed to predict the effect of missense changes on protein structure and function (PolyPhen-2) suggests that this variant is likely to be tolerated. Experimental studies have shown that this missense change affects CAV3 function (PMID: 24917393). In summary, the available evidence is currently insufficient to determine the role of this variant in disease. Therefore, it has been classified as a Variant of Uncertain Significance.

Dasa
Classification: Uncertain significance. Last evaluated: 2025-08-18. Review status: criteria provided, single submitter. Criteria: DASA Assertion Criteria. Collection method: clinical testing. Allele origin: germline.
Comment: NM_033337.3(CAV3):c.244G>A (p.Val82Ile) is a missense variant that results in the substitution of valine with isoleucine. This variant is rare in population databases. Computational prediction algorithms are consistent with a benign effect. The currently available literature and clinical evidence are not sufficient to establish a definitive association between this variant and the reported condition. Therefore, this variant is classified as a variant of uncertain significance.

Revvity Omics, Revvity
Classification: Uncertain significance. Last evaluated: 2025-05-06. Review status: criteria provided, single submitter. Criteria: ACMG Guidelines, 2015. Collection method: clinical testing. Allele origin: germline.

Ambry Genetics
Classification: Uncertain significance for Cardiovascular phenotype. Last evaluated: 2024-09-06. Review status: criteria provided, single submitter. Criteria: Ambry Variant Classification Scheme 2023. Collection method: clinical testing. Allele origin: germline.
Comment: The p.V82I variant (also known as c.244G>A), located in coding exon 2 of the CAV3 gene, results from a G to A substitution at nucleotide position 244. The valine at codon 82 is replaced by isoleucine, an amino acid with highly similar properties. This alteration has been reported in association with long QT syndrome and sudden cardiac death (Lieve KV et al. Genet Test Mol Biomarkers, 2013 Jul;17:553-61; Lariccia V et al. J. Biomed. Sci., 2014 Jun;21:58). This alteration was also noted to have a cell expression profile that was altered from the wildtype (Lariccia V et al. J. Biomed. Sci., 2014 Jun;21:58). This amino acid position is not well conserved in available vertebrate species. In addition, the in silico prediction for this alteration is inconclusive. Since supporting evidence is limited at this time, the clinical significance of this alteration remains unclear.

Mendelics
Classification: Uncertain significance for Long QT syndrome 1. Last evaluated: 2022-06-24. Review status: criteria provided, single submitter. Criteria: Mendelics Assertion Criteria 2017. Collection method: clinical testing. Allele origin: unknown.

GeneDx
Classification: Likely benign. Last evaluated: 2021-03-24. Review status: criteria provided, single submitter. Criteria: GeneDx Variant Classification Process June 2021. Collection method: clinical testing. Allele origin: germline. Affected: yes.
Comment: In silico analysis, which includes protein predictors and evolutionary conservation, supports that this variant does not alter protein structure/function; This variant is associated with the following publications: (PMID: 24917393, 23631430, 31737537, 30847666)

Laboratorio de Genetica e Diagnostico Molecular, Hospital Israelita Albert Einstein
Classification: Uncertain significance. Last evaluated: 2020-05-19. Review status: criteria provided, single submitter. Criteria: ACMG Guidelines, 2015. Collection method: clinical testing. Allele origin: germline. Affected: yes.
Comment: ACMG classification criteria: PS3, PS4, PP2

Eurofins Ntd Llc (ga)
Classification: Uncertain significance. Last evaluated: 2018-03-27. Review status: criteria provided, single submitter. Criteria: EGL ClinVar v180209 classification definitions. Collection method: clinical testing. Allele origin: germline. Observed: 2 variant alleles, 2 heterozygotes.

Stanford Center for Inherited Cardiovascular Disease, Stanford University
Classification: Uncertain significance. Last evaluated: 2016-12-16. Review status: criteria provided, single submitter. Criteria: ACMG Guidelines, 2015. Collection method: provider interpretation. Allele origin: germline.

CHEO Genetics Diagnostic Laboratory, Children's Hospital of Eastern Ontario
Classification: Uncertain significance for Cardiomyopathy. Last evaluated: 2016-03-22. Review status: criteria provided, single submitter. Criteria: ACMG Guidelines, 2015. Collection method: clinical testing. Allele origin: germline. Study: Canadian Open Genetics Repository.

Literature cited by the submitters: PubMed 23631430 (cited by Labcorp Genetics (formerly Invitae), Labcorp and Ambry Genetics); PubMed 24917393 (cited by Labcorp Genetics (formerly Invitae), Labcorp and Ambry Genetics); PubMed 30847666 (cited by Labcorp Genetics (formerly Invitae), Labcorp and Ambry Genetics); PubMed 31737537 (cited by Labcorp Genetics (formerly Invitae), Labcorp and Ambry Genetics); PubMed 28810874 (cited by Ambry Genetics).